The following is an entry in ClinVar:

NM_177438.3(DICER1):c.3815A>C (p.Lys1272Thr)

Gene: DICER1 (dicer 1, ribonuclease III; minus strand). Cytogenetic location: 14q32.13.
Variant type: single nucleotide variant.
Coding change: c.3815A>C on transcript NM_177438.3 (MANE Select); coding-DNA position 3815, A replaced by C.
Protein change: p.Lys1272Thr; replaces lysine 1272 with threonine.
Molecular consequence: missense variant. On other transcripts: non-coding transcript variant (6).
Genome position (GRCh38, 1-based): chr14:95,103,581, T>G on the plus strand (A>C on the coding strand, the complement: DICER1 is on the minus strand). VCF-style: chr14-95103581-T-G. GRCh37 (hg19) VCF-style: chr14-95569918-T-G.
Other names: c.3815A>C, p.Lys1272Thr (NM_001195573.1, NM_001271282.3, NM_001291628.2 and 13 more transcripts); c.3533A>C, p.Lys1178Thr (NM_001395686.1); c.3410A>C, p.Lys1137Thr (NM_001395687.1, NM_001395688.1, NM_001395689.1 and 2 more transcripts); c.3248A>C, p.Lys1083Thr (NM_001395691.1); c.2132A>C, p.Lys711Thr (NM_001395697.1); short protein forms K711T, K1083T, K1178T, K1137T, K1272T.
Identifiers: ClinVar variation 1735192 (VCV001735192.2), dbSNP rs151197809, ClinGen allele CA390873389.

ClinVar aggregate classification (germline): Uncertain significance (1 of 4 stars; one submission).

Conditions:
Hereditary cancer-predisposing syndrome. Also called: Neoplastic Syndromes, Hereditary; Tumor predisposition; Hereditary Cancer Syndrome; Hereditary neoplastic syndrome. Identifiers: Orphanet 140162, MedGen C0027672, MeSH D009386, MONDO:0015356.

Submission:

Ambry Genetics
Classification: Uncertain significance for Hereditary cancer-predisposing syndrome. Last evaluated: 2022-07-04. Review status: criteria provided, single submitter. Criteria: Ambry Variant Classification Scheme 2023. Collection method: clinical testing. Allele origin: germline.
Comment: The p.K1272T variant (also known as c.3815A>C), located in coding exon 20 of the DICER1 gene, results from an A to C substitution at nucleotide position 3815. The lysine at codon 1272 is replaced by threonine, an amino acid with similar properties. This amino acid position is conserved. In addition, this alteration is predicted to be tolerated by in silico analysis. Since supporting evidence is limited at this time, the clinical significance of this alteration remains unclear.